The following is an entry in ClinVar:

ClinVar aggregate classification (germline): Benign (0 of 4 stars; one submission).

Conditions:
HK2-related disorder. Also called: HK2-related condition.

Allele frequency attached by ClinVar (database versions not stated): 1000 Genomes Project 0.52416; gnomAD exomes 0.61087; 1000 Genomes Project 30x 0.51811; ExAC 0.59065; TOPMed 0.53950; ESP Exome Variant Server 0.57158.
gnomAD v4.1: 977,944 of 1,613,572 alleles (61%); highest among the groups gnomAD compares: Middle Eastern, 71%; 298,925 homozygotes.

Submission:

PreventionGenetics, part of Exact Sciences
Classification: Benign for HK2-related condition. Last evaluated: 2019-10-17. Review status: no assertion criteria provided. Collection method: clinical testing. Allele origin: germline.
Comment: This variant is classified as benign based on ACMG/AMP sequence variant interpretation guidelines (Richards et al. 2015 PMID: 25741868, with internal and published modifications).

NM_000189.5(HK2):c.2298A>G (p.Leu766=)

Gene: HK2 (hexokinase 2; plus strand). Cytogenetic location: 2p12.
Variant type: single nucleotide variant.
Coding change: c.2298A>G on transcript NM_000189.5 (MANE Select); coding-DNA position 2298, A replaced by G.
Protein change: p.Leu766=; no amino-acid change (leucine 766 retained).
Molecular consequence: synonymous variant.
Genome position (GRCh38, 1-based): chr2:74,887,981, A>G. VCF-style: chr2-74887981-A-G. GRCh37 (hg19) VCF-style: chr2-75115108-A-G.
Other names: c.2214A>G, p.Leu738= (NM_001371525.2).
Identifiers: ClinVar variation 3060553 (VCV003060553.2), dbSNP rs10194657, ClinGen allele CA1731677.